The following is an entry in ClinVar:

NM_016343.4(CENPF):c.6387_6388insAA (p.Ala2130fs)

Gene: CENPF (centromere protein F; plus strand). Cytogenetic location: 1q41.
Variant type: Insertion.
Coding change: c.6387_6388insAA on transcript NM_016343.4 (MANE Select); coding-DNA positions 6387 to 6388, AA inserted.
Protein change: p.Ala2130fs; shifts the reading frame from alanine 2130.
Molecular consequence: frameshift variant.
Genome position: GRCh38 VCF-style: chr1-214645957-G-GAA. GRCh37 (hg19) VCF-style: chr1-214819300-G-GAA.
Other names: short protein forms A2130fs.
Identifiers: ClinVar variation 1050538 (VCV001050538.1), dbSNP rs2102566666, ClinGen allele CA2499214445.
Genomic context (GRCh38, chr1:214,645,957, plus strand): 5'-AACACAGGAGGAAGTGCATCAGCTGAGAAGAGGCATCGAGAAACTGAGAGTTCGCATTGA[G>GAA]GCCGATGAAAAGAAGCAGCTGCACATCGCAGAGAAACTGAAAGAACGCGAGCGGGAGAAT-3'

ClinVar aggregate classification (germline): Likely pathogenic (0 of 4 stars; one submission).

Submission:

Department of Pathology and Laboratory Medicine, Sinai Health System
Classification: Likely pathogenic. Review status: no assertion criteria provided. Collection method: clinical testing. Allele origin: unknown. Affected: yes. Study: The Canadian Open Genetics Repository (COGR).
Comment: Allele frequency is absent from general population database (gnomAD, UK10K). 2 pathogenic variants with a higher frequency threshold than recommended are known in this gene, including: chr1:214820132:C>T, frequency: 0.011% chr1:214825101:C>CT, frequency: 0.0% frameshift indel variant in a gene where loss of function is a known mechanism of disease, classified with a very strong level of pathogenicity.